The following is an entry in ClinVar:

ClinVar aggregate classification (germline): Uncertain significance. Review status: criteria provided, multiple submitters, no conflicts (2 of 4 stars). 2 submissions from 2 submitters: Uncertain significance (2). Last evaluated 2026-01-10.

Conditions:
Hereditary cancer-predisposing syndrome. Also called: Neoplastic Syndromes, Hereditary; Tumor predisposition; Hereditary Cancer Syndrome; Hereditary neoplastic syndrome. Identifiers: Orphanet 140162, MedGen C0027672, MeSH D009386, MONDO:0015356.
Cardiovascular phenotype. Identifiers: MedGen CN230736.

gnomAD v4.1: 1 of 1,613,094 alleles (0.000062%); highest among the groups gnomAD compares: Non-Finnish European, 0.000085%; no homozygotes.

Submissions (2):

Labcorp Genetics (formerly Invitae), Labcorp
Classification: Uncertain significance. Last evaluated: 2026-01-10. Review status: criteria provided, single submitter. Criteria: Invitae Variant Classification Sherloc (09022015). Collection method: clinical testing. Allele origin: germline.
Comment: This sequence change replaces histidine, which is basic and polar, with proline, which is neutral and non-polar, at codon 681 of the LZTR1 protein (p.His681Pro). This variant is not present in population databases (gnomAD no frequency). This variant has not been reported in the literature in individuals affected with LZTR1-related conditions. ClinVar contains an entry for this variant (Variation ID: 1784922). Invitae Evidence Modeling of protein sequence and biophysical properties (such as structural, functional, and spatial information, amino acid conservation, physicochemical variation, residue mobility, and thermodynamic stability) indicates that this missense variant is not expected to disrupt LZTR1 protein function with a negative predictive value of 80%. In summary, the available evidence is currently insufficient to determine the role of this variant in disease. Therefore, it has been classified as a Variant of Uncertain Significance.

Ambry Genetics
Classification: Uncertain significance for Cardiovascular phenotype; Hereditary cancer-predisposing syndrome. Last evaluated: 2025-10-21. Review status: criteria provided, single submitter. Criteria: Ambry Variant Classification Scheme 2023. Collection method: clinical testing. Allele origin: germline.
Comment: The p.H681P variant (also known as c.2042A>C), located in coding exon 17 of the LZTR1 gene, results from an A to C substitution at nucleotide position 2042. The histidine at codon 681 is replaced by proline, an amino acid with similar properties. This amino acid position is conserved. In addition, this alteration is predicted to be deleterious by in silico analysis. Based on the available evidence, the clinical significance of this variant remains unclear.

NM_006767.4(LZTR1):c.2042A>C (p.His681Pro)

Gene: LZTR1 (leucine zipper like post translational regulator 1; plus strand). Cytogenetic location: 22q11.21.
Variant type: single nucleotide variant.
Coding change: c.2042A>C on transcript NM_006767.4 (MANE Select); coding-DNA position 2042, A replaced by C.
Protein change: p.His681Pro; replaces histidine 681 with proline.
Molecular consequence: missense variant.
Genome position (GRCh38, 1-based): chr22:20,995,845, A>C. VCF-style: chr22-20995845-A-C. GRCh37 (hg19) VCF-style: chr22-21350134-A-C.
Other names: short protein forms H681P.
Identifiers: ClinVar variation 1784922 (VCV001784922.8), dbSNP rs766706053, ClinGen allele CA322271065.